The following is an entry in ClinVar:

NM_000232.5(SGCB):c.847_858del (p.Val283_Lys286del)

Gene: SGCB (sarcoglycan beta; minus strand). Cytogenetic location: 4q12.
Variant type: Deletion.
Coding change: c.847_858del on transcript NM_000232.5 (MANE Select); coding-DNA positions 847 to 858, 12 bases deleted (GTACGCTACAAG).
Protein change: p.Val283_Lys286del.
Molecular consequence: inframe deletion.
Genome position (GRCh38, 1-based): chr4:52,024,056-52,024,067, CTTGTAGCGTAC deleted on the plus strand (GTACGCTACAAG on the coding strand, the reverse complement: SGCB is on the minus strand); deleting any 12 consecutive bases within chr4:52,024,056-52,024,068 gives the same sequence; the c. name uses the placement nearest the transcript's 3' end. VCF-style (leftmost placement, unchanged base first): chr4-52024055-GCTTGTAGCGTAC-G. GRCh37 (hg19) VCF-style: chr4-52890221-GCTTGTAGCGTAC-G.
Other names: c.637_648del, p.Val213_Lys216del (NM_001440519.1); c.550_561del, p.Val184_Lys187del (NM_001440520.1).
Identifiers: ClinVar variation 5004607 (VCV005004607.1).

ClinVar aggregate classification (germline): Uncertain significance (1 of 4 stars; one submission).

Conditions:
Autosomal recessive limb-girdle muscular dystrophy type 2E (LGMDR4). Also called: MUSCULAR DYSTROPHY, LIMB-GIRDLE, AUTOSOMAL RECESSIVE 4. Identifiers: Orphanet 119, MedGen C1858593, MONDO:0011423, OMIM 604286. Disease mechanism: Affects gamma-sarcoglycan and also disrupts the integrity of the entire sarcoglycan complex..

Submission:

Myriad Genetics, Inc.
Classification: Uncertain significance for Autosomal recessive limb-girdle muscular dystrophy type 2E. Last evaluated: 2026-04-16. Review status: criteria provided, single submitter. Criteria: Myriad Autosomal Dominant, Autosomal Recessive and X-Linked Classification Criteria (2023). Collection method: clinical testing. Allele origin: unknown.
Comment: NM_000232.4(SGCB):c.847_858del12(V283_K286del) is an in-frame deletion classified as a variant of uncertain significance in the context of beta-sarcoglycanopathy. V283_K286del has not been observed in cases with relevant disease. Relevant functional assessments of this variant are not available in the literature. V283_K286del has not been observed in referenced population frequency databases. In summary, there is insufficient evidence to classify NM_000232.4(SGCB):c.847_858del12(V283_K286del) as pathogenic or benign. Please note: this variant was assessed in the context of healthy population screening.